The following is an entry in ClinVar:

NM_000321.3(RB1):c.*39G>A

Gene: RB1 (RB transcriptional corepressor 1; plus strand). Cytogenetic location: 13q14.2.
Variant type: single nucleotide variant.
Coding change: c.*39G>A on transcript NM_000321.3 (MANE Select); 39 bases downstream of the stop codon, G replaced by A.
Molecular consequence: 3 prime UTR variant.
Genome position (GRCh38, 1-based): chr13:48,480,110, G>A. VCF-style: chr13-48480110-G-A. GRCh37 (hg19) VCF-style: chr13-49054246-G-A.
Other names: c.*73G>A (NM_001407165.1); c.*39G>A (NM_001407168.1).
Identifiers: ClinVar variation 4759363 (VCV004759363.1), dbSNP rs1040215371.
Genomic context (GRCh38, chr13:48,480,110, plus strand): 5'-CTCAAACAAGGAAGAGAAATGAGGATCTCAGGACCTTGGTGGACACTGTGTACACCTCTG[G>A]ATTCATTGTCTCTCACAGATGTGACTGTATAACTTTCCCAGGTTCTGTTTATGGCCACAT-3'

ClinVar aggregate classification (germline): Likely benign (1 of 4 stars; one submission).

Conditions:
Hereditary retinoblastoma. Identifiers: Orphanet 357027, MedGen C0751483, MONDO:0018160.

gnomAD v4.1: 6 of 1,512,388 alleles (0.0004%); highest among the groups gnomAD compares: African/African-American, 0.0028%; no homozygotes.

Submission:

Ramesar Group, Division of Human Genetics, Institute of Infectious Diseases and Molecular Medicine, UCT/MRC Genomic and Precision Medicine Research Unit, University of Cape Town
Classification: Likely benign for Hereditary retinoblastoma. Last evaluated: 2025-09-17. Review status: criteria provided, single submitter. Criteria: ACMG Guidelines, 2015. Collection method: research. Allele origin: germline. Affected: no.
Comment: BP5 - Variant found in a patient with a different retinal disease; RB1 is not associated with the phenotype BP7 - A non-coding variant with no predicted effect on splicing (SpliceAI scores are negligible)